The following is an entry in ClinVar:

NM_001848.3(COL6A1):c.1002+5_1002+6insCCGGGGAGGGA

Gene: COL6A1 (collagen type VI alpha 1 chain; plus strand). Cytogenetic location: 21q22.3.
Variant type: Insertion.
Coding change: c.1002+5_1002+6insCCGGGGAGGGA on transcript NM_001848.3 (MANE Select); bases 5 to 6 of the intron after coding-DNA position 1002, CCGGGGAGGGA inserted.
Molecular consequence: intron variant.
Genome position: GRCh38 VCF-style: chr21-45990427-C-CCCGGGGAGGGA. GRCh37 (hg19) VCF-style: chr21-47410341-C-CCCGGGGAGGGA.
Identifiers: ClinVar variation 854116 (VCV000854116.9), dbSNP rs2077768137, ClinGen allele CA916081963.

ClinVar aggregate classification (germline): Uncertain significance (1 of 4 stars; one submission).

Conditions:
Bethlem myopathy 1A. Also called: MYOPATHY, BENIGN CONGENITAL, WITH CONTRACTURES; Bethlem myopathy 1; Bethlem Muscular Dystrophy. Identifiers: Orphanet 610, MedGen CN029274, MONDO:0024530, OMIM 158810.

Submission:

Labcorp Genetics (formerly Invitae), Labcorp
Classification: Uncertain significance for Bethlem myopathy 1A. Last evaluated: 2019-12-01. Review status: criteria provided, single submitter. Criteria: Invitae Variant Classification Sherloc (09022015). Collection method: clinical testing. Allele origin: germline.
Comment: In summary, the available evidence is currently insufficient to determine the role of this variant in disease. Therefore, it has been classified as a Variant of Uncertain Significance. Nucleotide substitutions within the consensus splice site are a relatively common cause of aberrant splicing (PMID: 17576681, 9536098). Algorithms developed to predict the effect of sequence changes on RNA splicing suggest that this variant is not likely to affect RNA splicing, but this prediction has not been confirmed by published transcriptional studies. This variant has not been reported in the literature in individuals with COL6A1-related conditions. This variant is not present in population databases (ExAC no frequency). This sequence change falls in intron 13 of the COL6A1 gene. It does not directly change the encoded amino acid sequence of the COL6A1 protein, but it affects a nucleotide within the consensus splice site of the intron.

Literature cited by the submitters: PubMed 17576681; PubMed 9536098.